The following is an entry in ClinVar:

ClinVar aggregate classification (germline): Uncertain significance (1 of 4 stars; one submission).

Conditions:
Dyskeratosis congenita. Identifiers: Orphanet 1775, MedGen C0265965, MONDO:0015780.

Allele frequency attached by ClinVar (database versions not stated): TOPMed below 0.00001.

Submission:

Labcorp Genetics (formerly Invitae), Labcorp
Classification: Uncertain significance for Dyskeratosis congenita. Last evaluated: 2022-08-15. Review status: criteria provided, single submitter. Criteria: Invitae Variant Classification Sherloc (09022015). Collection method: clinical testing. Allele origin: germline.
Comment: ClinVar contains an entry for this variant (Variation ID: 1393281). Algorithms developed to predict the effect of missense changes on protein structure and function output the following: SIFT: "Deleterious"; PolyPhen-2: "Benign"; Align-GVGD: "Class C0". The proline amino acid residue is found in multiple mammalian species, which suggests that this missense change does not adversely affect protein function. In summary, the available evidence is currently insufficient to determine the role of this variant in disease. Therefore, it has been classified as a Variant of Uncertain Significance. This variant has not been reported in the literature in individuals affected with CTC1-related conditions. This sequence change replaces glutamine, which is neutral and polar, with proline, which is neutral and non-polar, at codon 1020 of the CTC1 protein (p.Gln1020Pro). This variant is not present in population databases (gnomAD no frequency).

NM_025099.6(CTC1):c.3059A>C (p.Gln1020Pro)

Gene: CTC1 (CST telomere replication complex component 1; minus strand). Cytogenetic location: 17p13.1.
Variant type: single nucleotide variant.
Coding change: c.3059A>C on transcript NM_025099.6 (MANE Select); coding-DNA position 3059, A replaced by C.
Protein change: p.Gln1020Pro; replaces glutamine 1020 with proline.
Molecular consequence: missense variant. On other transcripts: non-coding transcript variant (1).
Genome position (GRCh38, 1-based): chr17:8,229,399, T>G on the plus strand (A>C on the coding strand, the complement: CTC1 is on the minus strand). VCF-style: chr17-8229399-T-G. GRCh37 (hg19) VCF-style: chr17-8132717-T-G.
Other names: short protein forms Q1020P.
Identifiers: ClinVar variation 1393281 (VCV001393281.8), dbSNP rs1987017237, ClinGen allele CA397972225.
Genomic context (GRCh38, chr17:8,229,399, plus strand): 5'-AAGAGCTGAAGGCTGAAGACAGAGACGATATGGCAAGAGGCAGTGGCCTGGAATGGGGAC[T>G]GACCACCCTGCAGAAGTTCAGCCAGGTAGATGTGGGGCAGGGGAATGCTAAATAAATACA-3'
Protein context (NP_079375.3, residues 1010-1030): IYLAELLQGG[Gln1020Pro]SPFQATASCH